The following is an entry in ClinVar:

NM_144670.6(A2ML1):c.97T>C (p.Phe33Leu)

Genes: A2ML1 (alpha-2-macroglobulin like 1; plus strand), A2ML1-AS1 (A2ML1 antisense RNA 1; minus strand). Cytogenetic location: 12p13.31.
Variant type: single nucleotide variant.
Coding change: c.97T>C on transcript NM_144670.6 (MANE Select); coding-DNA position 97, T replaced by C.
Protein change: p.Phe33Leu; replaces phenylalanine 33 with leucine.
Molecular consequence: missense variant.
Genome position (GRCh38, 1-based): chr12:8,823,216, T>C. VCF-style: chr12-8823216-T-C. GRCh37 (hg19) VCF-style: chr12-8975812-T-C.
Other names: short protein forms F33L.
Identifiers: ClinVar variation 2106497 (VCV002106497.4), dbSNP rs2539171673, ClinGen allele CA383817670.

ClinVar aggregate classification (germline): Uncertain significance (1 of 4 stars; one submission).

Submission:

Labcorp Genetics (formerly Invitae), Labcorp
Classification: Uncertain significance. Last evaluated: 2023-09-09. Review status: criteria provided, single submitter. Criteria: Invitae Variant Classification Sherloc (09022015). Collection method: clinical testing. Allele origin: germline.
Comment: In summary, the available evidence is currently insufficient to determine the role of this variant in disease. Therefore, it has been classified as a Variant of Uncertain Significance. An algorithm developed to predict the effect of missense changes on protein structure and function (PolyPhen-2) suggests that this variant is likely to be tolerated. ClinVar contains an entry for this variant (Variation ID: 2106497). This variant has not been reported in the literature in individuals affected with A2ML1-related conditions. This variant is not present in population databases (gnomAD no frequency). This sequence change replaces phenylalanine, which is neutral and non-polar, with leucine, which is neutral and non-polar, at codon 33 of the A2ML1 protein (p.Phe33Leu).